The following is an entry in ClinVar:

ClinVar aggregate classification (germline): Benign. Review status: criteria provided, multiple submitters, no conflicts (2 of 4 stars). 5 submissions from 5 submitters: Benign (5). Last evaluated 2026-02-02.

Conditions:
Vitreoretinopathy. Also called: Vitreoretinal degeneration. Identifiers: MedGen C0344290, MONDO:0020248, HP:0007773.

Allele frequency attached by ClinVar (database versions not stated): ESP Exome Variant Server 0.00538; gnomAD 0.00988 and 0.01498; TOPMed 0.01367; gnomAD exomes 0.01477 and 0.03154; ExAC 0.03225; 1000 Genomes Project 30x 0.06761; 1000 Genomes Project 0.07268.
gnomAD v4.1: 24,366 of 1,614,130 alleles (1.5%); highest among the groups gnomAD compares: East Asian, 17%; 1,350 homozygotes.

Submissions (5):

Labcorp Genetics (formerly Invitae), Labcorp
Classification: Benign. Last evaluated: 2026-02-02. Review status: criteria provided, single submitter. Criteria: Invitae Variant Classification Sherloc (09022015). Collection method: clinical testing. Allele origin: germline.

GeneDx
Classification: Benign. Last evaluated: 2021-05-05. Review status: criteria provided, single submitter. Criteria: GeneDx Variant Classification Process June 2021. Collection method: clinical testing. Allele origin: germline. Affected: yes.

Illumina Laboratory Services, Illumina
Classification: Benign for Vitreoretinopathy. Last evaluated: 2018-01-13. Review status: criteria provided, single submitter. Criteria: ICSL Variant Classification Criteria 13 December 2019. Collection method: clinical testing. Allele origin: germline.
Comment: This variant was observed in the ICSL laboratory as part of a predisposition screen in an ostensibly healthy population. It had not been previously curated by ICSL or reported in the Human Gene Mutation Database (HGMD: prior to June 1st, 2018), and was therefore a candidate for classification through an automated scoring system. Utilizing variant allele frequency, disease prevalence and penetrance estimates, and inheritance mode, an automated score was calculated to assess if this variant is too frequent to cause the disease. Based on the score and internal cut-off values, a variant classified as benign is not then subjected to further curation. The score for this variant resulted in a classification of benign for this disease.

Eurofins Ntd Llc (ga)
Classification: Benign. Last evaluated: 2014-06-10. Review status: criteria provided, single submitter. Criteria: EGL Classification Definitions 2015. Collection method: clinical testing. Allele origin: germline. Observed: 2 variant alleles, 2 heterozygotes.

PreventionGenetics, part of Exact Sciences
Classification: Benign. Review status: criteria provided, single submitter. Criteria: ACMG Guidelines, 2015. Collection method: clinical testing. Allele origin: germline.

NM_004385.5(VCAN):c.899C>T (p.Ser300Leu)

Gene: VCAN (versican; plus strand). Cytogenetic location: 5q14.3.
Variant type: single nucleotide variant.
Coding change: c.899C>T on transcript NM_004385.5 (MANE Select); coding-DNA position 899, C replaced by T.
Protein change: p.Ser300Leu; replaces serine 300 with leucine.
Molecular consequence: missense variant.
Genome position (GRCh38, 1-based): chr5:83,512,253, C>T. VCF-style: chr5-83512253-C-T. GRCh37 (hg19) VCF-style: chr5-82808072-C-T.
Other names: c.899C>T, p.Ser300Leu (NM_001126336.3, NM_001164097.2, NM_001164098.2); short protein forms S300L.
Identifiers: ClinVar variation 198170 (VCV000198170.21), dbSNP rs2652098, ClinGen allele CA203290.